The following is an entry in ClinVar:

ClinVar aggregate classification (germline): Uncertain significance. Review status: criteria provided, multiple submitters, no conflicts (2 of 4 stars). 2 submissions from 2 submitters: Uncertain significance (2). Last evaluated 2025-03-07.

Conditions:
Dilated cardiomyopathy 1DD (CMD1DD). Identifiers: Orphanet 154, MedGen C2750995, MONDO:0013168, OMIM 613172.

Allele frequency attached by ClinVar (database versions not stated): TOPMed below 0.00001; gnomAD exomes 0.00003.
gnomAD v4.1: 4 of 1,550,136 alleles (0.00026%); highest among the groups gnomAD compares: Admixed American, 0.0078%; no homozygotes.

Submissions (2):

GeneDx
Classification: Uncertain significance. Last evaluated: 2025-03-07. Review status: criteria provided, single submitter. Criteria: GeneDx Variant Classification Process June 2021. Collection method: clinical testing. Allele origin: germline. Affected: yes.
Comment: Not observed at significant frequency in large population cohorts (gnomAD); In silico analysis supports that this missense variant has a deleterious effect on protein structure/function; In silico analysis supports a deleterious effect on splicing; Has not been previously published as pathogenic or benign to our knowledge

Labcorp Genetics (formerly Invitae), Labcorp
Classification: Uncertain significance for Dilated cardiomyopathy 1DD. Last evaluated: 2024-12-06. Review status: criteria provided, single submitter. Criteria: Invitae Variant Classification Sherloc (09022015). Collection method: clinical testing. Allele origin: germline.
Comment: This sequence change replaces aspartic acid, which is acidic and polar, with tyrosine, which is neutral and polar, at codon 477 of the RBM20 protein (p.Asp477Tyr). This variant also falls at the last nucleotide of exon 4, which is part of the consensus splice site for this exon. This variant is present in population databases (no rsID available, gnomAD 0.02%). This variant has not been reported in the literature in individuals affected with RBM20-related conditions. ClinVar contains an entry for this variant (Variation ID: 1476774). An algorithm developed to predict the effect of missense changes on protein structure and function (PolyPhen-2) suggests that this variant is likely to be disruptive. Variants that disrupt the consensus splice site are a relatively common cause of aberrant splicing (PMID: 17576681, 9536098). Algorithms developed to predict the effect of sequence changes on RNA splicing suggest that this variant may disrupt the consensus splice site. In summary, the available evidence is currently insufficient to determine the role of this variant in disease. Therefore, it has been classified as a Variant of Uncertain Significance.

Literature cited by the submitters: PubMed 17576681 (cited by Labcorp Genetics (formerly Invitae), Labcorp); PubMed 9536098 (cited by Labcorp Genetics (formerly Invitae), Labcorp).

NM_001134363.3(RBM20):c.1429G>T (p.Asp477Tyr)

Gene: RBM20 (RNA binding motif protein 20; plus strand). Cytogenetic location: 10q25.2.
Variant type: single nucleotide variant.
Coding change: c.1429G>T on transcript NM_001134363.3 (MANE Select); coding-DNA position 1429, G replaced by T.
Protein change: p.Asp477Tyr; replaces aspartic acid 477 with tyrosine.
Molecular consequence: missense variant.
Genome position (GRCh38, 1-based): chr10:110,784,432, G>T. VCF-style: chr10-110784432-G-T. GRCh37 (hg19) VCF-style: chr10-112544190-G-T.
Other names: c.1429G>T (NM_001134363.1); short protein forms D477Y.
Identifiers: ClinVar variation 1476774 (VCV001476774.7), dbSNP rs1004982001, ClinGen allele CA213236326.